The following is an entry in ClinVar:

ClinVar aggregate classification (germline): Conflicting classifications of pathogenicity. Review status: criteria provided, conflicting classifications (1 of 4 stars). 7 submissions from 7 submitters: Uncertain significance (1); Benign (1); Likely benign (4). 1 of the submissions does not count toward it. Last evaluated 2025-12-08.

Conditions:
SETX-related disorder. Also called: SETX-related condition; SETX-related disorders. Identifiers: MedGen CN239403.
Inborn genetic diseases. Identifiers: MedGen C0950123, MeSH D030342.
Spinocerebellar ataxia, autosomal recessive, with axonal neuropathy 2 (SCAN2). Also called: ATAXIA-OCULOMOTOR APRAXIA 2; Ataxia with Oculomotor Apraxia Type 2; Ataxia-ocular apraxia-2; Ataxia with Oculomotor Apraxia. Identifiers: Orphanet 64753, MedGen C1853761, MONDO:0018996, OMIM 606002.
Amyotrophic lateral sclerosis type 4 (ALS4). Also called: AMYOTROPHIC LATERAL SCLEROSIS 4, JUVENILE; NEURONOPATHY, DISTAL HEREDITARY MOTOR, WITH PYRAMIDAL FEATURES. Identifiers: Orphanet 357043, MedGen C1865409, MONDO:0011223, OMIM 602433.
Hereditary spastic paraplegia. Also called: Familial spastic paraparesis. Identifiers: Orphanet 685, MedGen C0037773, MONDO:0019064. Disease mechanism: loss of function.

Allele frequency attached by ClinVar (database versions not stated): ESP Exome Variant Server 0.00015; ExAC 0.00018; gnomAD 0.00020 and 0.00021; gnomAD exomes 0.00020; TOPMed 0.00021.
gnomAD v4.1: 179 of 1,573,306 alleles (0.011%); highest among the groups gnomAD compares: Middle Eastern, 0.21%; no homozygotes.

Submissions (7):

Women's Health and Genetics/Laboratory Corporation of America, LabCorp
Classification: Likely benign. Last evaluated: 2025-12-08. Review status: criteria provided, single submitter. Criteria: LabCorp Variant Classification Summary - May 2015. Collection method: clinical testing. Allele origin: germline.

Labcorp Genetics (formerly Invitae), Labcorp
Classification: Likely benign for Amyotrophic lateral sclerosis type 4; Spinocerebellar ataxia, autosomal recessive, with axonal neuropathy 2. Last evaluated: 2025-12-03. Review status: criteria provided, single submitter. Criteria: Invitae Variant Classification Sherloc (09022015). Collection method: clinical testing. Allele origin: germline.

ARUP Laboratories, Molecular Genetics and Genomics, ARUP Laboratories
Classification: Likely benign. Last evaluated: 2025-01-31. Review status: criteria provided, single submitter. Criteria: ARUP Molecular Germline Variant Investigation Process 2024. Collection method: clinical testing. Allele origin: germline.

Genome Diagnostics Laboratory, The Hospital for Sick Children
Classification: Uncertain significance for Hereditary spastic paraplegia. Last evaluated: 2022-01-28. Review status: criteria provided, single submitter. Criteria: ACMG Guidelines, 2015. Collection method: clinical testing. Allele origin: germline. Affected: yes.

Ambry Genetics
Classification: Likely benign for Inborn genetic diseases. Last evaluated: 2019-07-11. Review status: criteria provided, single submitter. Criteria: Ambry Variant Classification Scheme 2023. Collection method: clinical testing. Allele origin: germline.

Athena Diagnostics
Classification: Benign. Last evaluated: 2017-05-12. Review status: criteria provided, single submitter. Criteria: Athena Diagnostics Criteria. Collection method: clinical testing. Allele origin: germline.

PreventionGenetics, part of Exact Sciences
Classification: Likely benign for SETX-related condition. Last evaluated: 2024-05-28. Review status: no assertion criteria provided. Collection method: clinical testing. Allele origin: germline. Not counted in ClinVar's aggregate classification.
Comment: This variant is classified as likely benign based on ACMG/AMP sequence variant interpretation guidelines (Richards et al. 2015 PMID: 25741868, with internal and published modifications).

NM_015046.7(SETX):c.1392A>G (p.Ser464=)

Gene: SETX (senataxin; minus strand). Cytogenetic location: 9q34.13.
Variant type: single nucleotide variant.
Coding change: c.1392A>G on transcript NM_015046.7 (MANE Select); coding-DNA position 1392, A replaced by G.
Protein change: p.Ser464=; no amino-acid change (serine 464 retained).
Molecular consequence: synonymous variant.
Genome position (GRCh38, 1-based): chr9:132,330,206, T>C on the plus strand (A>G on the coding strand, the complement: SETX is on the minus strand). VCF-style: chr9-132330206-T-C. GRCh37 (hg19) VCF-style: chr9-135205593-T-C.
Other names: c.1392A>G, p.Ser464= (NM_001351527.2, NM_001351528.2).
Identifiers: ClinVar variation 448304 (VCV000448304.18), dbSNP rs144164119, ClinGen allele CA5297784.
Genomic context (GRCh38, chr9:132,330,206, plus strand): 5'-TTGCTGGGAACTTACCCACAGCAAATGCAAACATTTTTTATTTCTATGCAGTTCAATCAC[T>C]GATACCAAAATTAGAAGAAAAAATTCAGTGACTTTGTCACACACAGCATCTGTTTGGTTG-3'
Protein context (NP_055861.3, residues 454-474): VTEFFLLILV[Ser464=]VIELHRNKKC